The following is an entry in ClinVar:

NM_003803.4(MYOM1):c.624CACGGCATCCAGGCAGTC[3] (p.209TASRQS[3])

Gene: MYOM1 (myomesin 1; minus strand). Cytogenetic location: 18p11.31.
Variant type: Microsatellite.
Coding change: c.624CACGGCATCCAGGCAGTC[3] on transcript NM_003803.4 (MANE Select); three copies in a row of the 18-base unit CACGGCATCCAGGCAGTC starting at c.624; the reference has two copies in a row; one copy, 18 bases duplicated.
Protein change: p.209TASRQS[3].
Molecular consequence: inframe insertion.
Genome position (GRCh38, 1-based): chr18:3,188,860-3,188,877, GACTGCCTGGATGCCGTG duplicated on the plus strand (CACGGCATCCAGGCAGTC on the coding strand, the reverse complement: MYOM1 is on the minus strand); duplicating any 18 consecutive bases within chr18:3,188,860-3,188,901 gives the same sequence; the position shown is the placement nearest the transcript's 3' end. VCF-style (leftmost placement, unchanged base first): chr18-3188859-A-AGACTGCCTGGATGCCGTG. GRCh37 (hg19) VCF-style: chr18-3188857-A-AGACTGCCTGGATGCCGTG.
Other names: c.624CACGGCATCCAGGCAGTC[3], p.209TASRQS[3] (NM_019856.2).
Identifiers: ClinVar variation 1008427 (VCV001008427.6), dbSNP rs754986396, ClinGen allele CA8875182.

ClinVar aggregate classification (germline): Uncertain significance (1 of 4 stars; one submission).

Conditions:
Hypertrophic cardiomyopathy. Also called: HYPERTROPHIC MYOCARDIOPATHY. Identifiers: Orphanet 217569, MedGen C0007194, MeSH D002312, MONDO:0005045, HP:0001639.

Submission:

Labcorp Genetics (formerly Invitae), Labcorp
Classification: Uncertain significance for Hypertrophic cardiomyopathy. Last evaluated: 2025-09-27. Review status: criteria provided, single submitter. Criteria: Invitae Variant Classification Sherloc (09022015). Collection method: clinical testing. Allele origin: germline.
Comment: This variant, c.642_659dup, results in the insertion of 6 amino acid(s) of the MYOM1 protein (p.Thr215_Ser220dup), but otherwise preserves the integrity of the reading frame. This variant is present in population databases (rs767375201, gnomAD 0.03%). This variant has not been reported in the literature in individuals affected with MYOM1-related conditions. Experimental studies and prediction algorithms are not available or were not evaluated, and the functional significance of this variant is currently unknown. In summary, the available evidence is currently insufficient to determine the role of this variant in disease. Therefore, it has been classified as a Variant of Uncertain Significance.